The following is an entry in ClinVar:

ClinVar aggregate classification (germline): Uncertain significance (1 of 4 stars; one submission).

Conditions:
Autosomal recessive limb-girdle muscular dystrophy type 2D (LGMDR3). Also called: DUCHENNE-LIKE AUTOSOMAL RECESSIVE MUSCULAR DYSTROPHY, TYPE 2; MUSCULAR DYSTROPHY, LIMB-GIRDLE, AUTOSOMAL RECESSIVE 3; ADHALINOPATHY, PRIMARY. Identifiers: Orphanet 62, MedGen C2936332, MONDO:0011968, OMIM 608099. Disease mechanism: Affects gamma-sarcoglycan and also disrupts the integrity of the entire sarcoglycan complex..

Allele frequency attached by ClinVar (database versions not stated): gnomAD 0.00001; ExAC 0.00002; TOPMed 0.00002; gnomAD exomes 0.00005.
gnomAD v4.1: 72 of 1,614,026 alleles (0.0045%); highest among the groups gnomAD compares: Non-Finnish European, 0.0059%; no homozygotes.

Submission:

Labcorp Genetics (formerly Invitae), Labcorp
Classification: Uncertain significance for Autosomal recessive limb-girdle muscular dystrophy type 2D. Last evaluated: 2022-03-26. Review status: criteria provided, single submitter. Criteria: Invitae Variant Classification Sherloc (09022015). Collection method: clinical testing. Allele origin: germline.
Comment: This sequence change replaces glycine, which is neutral and non-polar, with glutamic acid, which is acidic and polar, at codon 19 of the SGCA protein (p.Gly19Glu). This variant is present in population databases (rs774107033, gnomAD 0.003%). This variant has not been reported in the literature in individuals affected with SGCA-related conditions. Advanced modeling of protein sequence and biophysical properties (such as structural, functional, and spatial information, amino acid conservation, physicochemical variation, residue mobility, and thermodynamic stability) performed at Invitae indicates that this missense variant is not expected to disrupt SGCA protein function. In summary, the available evidence is currently insufficient to determine the role of this variant in disease. Therefore, it has been classified as a Variant of Uncertain Significance.

NM_000023.4(SGCA):c.56G>A (p.Gly19Glu)

Gene: SGCA (sarcoglycan alpha; plus strand). Cytogenetic location: 17q21.33.
Variant type: single nucleotide variant.
Coding change: c.56G>A on transcript NM_000023.4 (MANE Select); coding-DNA position 56, G replaced by A.
Protein change: p.Gly19Glu; replaces glycine 19 with glutamic acid.
Molecular consequence: missense variant. On other transcripts: non-coding transcript variant (1).
Genome position (GRCh38, 1-based): chr17:50,167,386, G>A. VCF-style: chr17-50167386-G-A. GRCh37 (hg19) VCF-style: chr17-48244747-G-A.
Other names: c.56G>A, p.Gly19Glu (NM_001135697.3); short protein forms G19E.
Identifiers: ClinVar variation 2036730 (VCV002036730.1), dbSNP rs774107033, ClinGen allele CA8643684.
Genomic context (GRCh38, chr17:50,167,386, plus strand): 5'-TGAGGCTGGCCTGTGTGTTTGGGACTTGTGGGGTCCCCACAGTTCTCCTGGCAGGGCTGG[G>A]GGACACCGAGGCCCAGCAGACCACGCTACACCCACTTGTGGGCCGTGTCTTTGTGCACAC-3'
Protein context (NP_000014.1, residues 9-29): PLLVVLLAGL[Gly19Glu]DTEAQQTTLH